The following is an entry in ClinVar:

NM_001042492.3(NF1):c.6252C>A (p.Tyr2084Ter)

Gene: NF1 (neurofibromin 1; plus strand). Cytogenetic location: 17q11.2.
Variant type: single nucleotide variant.
Coding change: c.6252C>A on transcript NM_001042492.3 (MANE Select); coding-DNA position 6252, C replaced by A.
Protein change: p.Tyr2084Ter; replaces tyrosine 2084 with a stop codon.
Molecular consequence: nonsense.
Genome position (GRCh38, 1-based): chr17:31,336,739, C>A. VCF-style: chr17-31336739-C-A. GRCh37 (hg19) VCF-style: chr17-29663757-C-A.
Other names: c.6189C>A, p.Tyr2063Ter (NM_000267.4); short protein forms Y2063*, Y2084*.
Identifiers: ClinVar variation 996395 (VCV000996395.5), dbSNP rs2069684411, ClinGen allele CA399012134.

ClinVar aggregate classification (germline): Likely pathogenic. Review status: criteria provided, multiple submitters, no conflicts (2 of 4 stars). 3 submissions from 3 submitters: Likely pathogenic (2). 1 of the submissions does not count toward it. Last evaluated 2021-08-06.

Conditions:
NF1-related disorder. Also called: NF1-related condition. Identifiers: MedGen CN379171.
Neurofibromatosis, type 1 (NF1). Also called: Neurofibromatosis, type I; VON RECKLINGHAUSEN DISEASE; NEUROFIBROMATOSIS, TYPE I, SOMATIC; Peripheral type neurofibromatosis. Identifiers: Orphanet 636, MedGen C0027831, MONDO:0018975, OMIM 162200. Disease mechanism: loss of function.
Juvenile myelomonocytic leukemia (JMML). Also called: LEUKEMIA, JUVENILE MYELOMONOCYTIC, SOMATIC. Identifiers: Orphanet 86834, MedGen C0349639, MONDO:0011908, OMIM 607785, HP:0012209.

Submissions (3):

Baylor Genetics
Classification: Likely pathogenic for Juvenile myelomonocytic leukemia. Last evaluated: 2021-08-06. Review status: criteria provided, single submitter. Criteria: ACMG Guidelines, 2015. Collection method: clinical testing. Allele origin: unknown.

Genome Diagnostics Laboratory, The Hospital for Sick Children
Classification: Likely pathogenic for Neurofibromatosis, type 1. Last evaluated: 2020-10-26. Review status: criteria provided, single submitter. Criteria: ACMG Guidelines, 2015. Collection method: clinical testing. Allele origin: germline. Affected: yes.

PreventionGenetics, part of Exact Sciences
Classification: Pathogenic for NF1-related condition. Last evaluated: 2024-07-08. Review status: no assertion criteria provided. Collection method: clinical testing. Allele origin: germline. Not counted in ClinVar's aggregate classification.
Comment: The NF1 c.6252C>A variant is predicted to result in premature protein termination (p.Tyr2084*). To our knowledge, this variant, alternatively referred to as c.6189C>A (p.Tyr2063*) in an alternate transcript (NM_000267), has not been reported in the literature or in a large population database, indicating this variant is rare. An alternate nucleotide change at the same genomic position which results in the same predicted effect (p.Tyr2063*) has been reported de novo in an individual with neurofibromatosis-noonan syndrome and growth hormone deficiency (Qin et al. 2023. PubMed ID: 35633639). Nonsense variants in NF1 are expected to be pathogenic. This variant is interpreted as pathogenic.